The following is an entry in ClinVar:

NM_005431.2(XRCC2):c.773G>A (p.Arg258His)

Gene: XRCC2 (X-ray repair cross complementing 2; minus strand). Cytogenetic location: 7q36.1.
Variant type: single nucleotide variant.
Coding change: c.773G>A on transcript NM_005431.2 (MANE Select); coding-DNA position 773, G replaced by A.
Protein change: p.Arg258His; replaces arginine 258 with histidine.
Molecular consequence: missense variant.
Genome position (GRCh38, 1-based): chr7:152,648,712, C>T on the plus strand (G>A on the coding strand, the complement: XRCC2 is on the minus strand). VCF-style: chr7-152648712-C-T. GRCh37 (hg19) VCF-style: chr7-152345797-C-T.
Other names: p.R258H:CGT>CAT; short protein forms R258H.
Identifiers: ClinVar variation 127963 (VCV000127963.16), dbSNP rs149186933, ClinGen allele CA288147.

ClinVar aggregate classification (germline): Conflicting classifications of pathogenicity. Review status: criteria provided, conflicting classifications (1 of 4 stars). 5 submissions from 5 submitters: Uncertain significance (4); Likely benign (1). Last evaluated 2026-01-30.

Conditions:
Spermatogenic failure 50. Also called: Spermatogenic failures 50. Identifiers: MedGen C5436888, MONDO:0030869, OMIM 619145.
Premature ovarian failure 17. Identifiers: MedGen C5436889, MONDO:0030870, OMIM 619146.
Fanconi anemia complementation group U. Identifiers: MedGen C4310651, MONDO:0014987, OMIM 617247.
Hereditary cancer-predisposing syndrome. Also called: Hereditary neoplastic syndrome; Neoplastic Syndromes, Hereditary; Hereditary Cancer Syndrome; Tumor predisposition. Identifiers: Orphanet 140162, MedGen C0027672, MeSH D009386, MONDO:0015356.

Allele frequency attached by ClinVar (database versions not stated): ExAC 0.00002; gnomAD exomes 0.00003 and 0.00007; gnomAD 0.00004; TOPMed 0.00006; ESP Exome Variant Server 0.00008.

Submissions (5):

Labcorp Genetics (formerly Invitae), Labcorp
Classification: Uncertain significance. Last evaluated: 2026-01-30. Review status: criteria provided, single submitter. Criteria: Invitae Variant Classification Sherloc (09022015). Collection method: clinical testing. Allele origin: germline.
Comment: This sequence change replaces arginine, which is basic and polar, with histidine, which is basic and polar, at codon 258 of the XRCC2 protein (p.Arg258His). This variant is present in population databases (rs149186933, gnomAD 0.03%). This variant has not been reported in the literature in individuals affected with XRCC2-related conditions. ClinVar contains an entry for this variant (Variation ID: 127963). Invitae Evidence Modeling of protein sequence and biophysical properties (such as structural, functional, and spatial information, amino acid conservation, physicochemical variation, residue mobility, and thermodynamic stability) indicates that this missense variant is not expected to disrupt XRCC2 protein function with a negative predictive value of 80%. In summary, the available evidence is currently insufficient to determine the role of this variant in disease. Therefore, it has been classified as a Variant of Uncertain Significance.

Fulgent Genetics
Classification: Uncertain significance for Fanconi anemia complementation group U; Spermatogenic failure 50; Premature ovarian failure 17. Last evaluated: 2024-06-17. Review status: criteria provided, single submitter. Criteria: ACMG Guidelines, 2015. Collection method: clinical testing. Allele origin: germline.

Ambry Genetics
Classification: Likely benign for Hereditary cancer-predisposing syndrome. Last evaluated: 2024-01-09. Review status: criteria provided, single submitter. Criteria: Ambry Variant Classification Scheme 2023. Collection method: clinical testing. Allele origin: germline.

Sema4
Classification: Uncertain significance for Hereditary cancer-predisposing syndrome. Last evaluated: 2022-01-09. Review status: criteria provided, single submitter. Criteria: Sema4 Curation Guidelines. Collection method: curation. Allele origin: germline.
Comment: The XRCC2 c.773G>A (p.R258H) variant has been reported in 8/60466 individuals with breast cancer and in 4/53461 control individuals (PMID: 33471991). It was observed in 19/281278 chromosomes, with no homozygotes, across the large and broad cohorts of the Genome Aggregation Database (PMID: 32461654). The variant has been reported in ClinVar (Variation ID: 127963). In silico tools suggest the impact of the variant on protein function is benign, though these predictions have not been confirmed by functional studies. The evidence is insufficient to meet ACMG/AMP criteria for classifying the variant as benign or pathogenic. Thus, the clinical significance of this variant is currently uncertain.

GeneDx
Classification: Uncertain significance. Last evaluated: 2017-07-06. Review status: criteria provided, single submitter. Criteria: GeneDx Variant Classification (06012015). Collection method: clinical testing. Allele origin: germline. Affected: yes.
Comment: This variant is denoted XRCC2 c.773G>A at the cDNA level, p.Arg258His (R258H) at the protein level, and results in the change of an Arginine to a Histidine (CGT>CAT). This variant has not, to our knowledge, been published in the literature as a germline variant; however, it has been reported as a somatic variant in the NCI-60 cancer cell line database (Reinhold 2014). XRCC2 Arg258His was observed at an allele frequency of 0.01% (1/10,306) in individuals of African American ancestry in large population cohorts (NHLBI Exome Sequencing Project, The 1000 Genomes Consortium 2015, Lek 2016). Since Arginine and Histidine share similar properties, this is considered a conservative amino acid substitution. XRCC2 Arg258His occurs at a position that is not conserved and is not located in a known functional domain. In silico analyses are inconsistent regarding the effect this variant may have on protein structure or function. Based on currently available evidence, it is unclear whether XRCC2 Arg258His is a pathogenic variant or a benign variant. We consider it to be a variant of uncertain significance.

Literature cited by the submitters: PubMed 28779002 (cited by Ambry Genetics); PubMed 28912153 (cited by Ambry Genetics); PubMed 33471991 (cited by Sema4).